The following is an entry in ClinVar:

ClinVar aggregate classification (germline): Pathogenic (1 of 4 stars; one submission).

Conditions:
Tyrosinemia type I (TYRSN1). Also called: Tyrosinemia type 1; Fumarylacetoacetase deficiency; Deficiency of fumarylacetoacetase; HEPATORENAL TYROSINEMIA; FAH DEFICIENCY. Identifiers: Orphanet 882, MedGen C0268490, MONDO:0010161, OMIM 276700. Disease mechanism: loss of function.

Submission:

Myriad Genetics, Inc.
Classification: Pathogenic for Tyrosinemia type I. Last evaluated: 2026-09-09. Review status: criteria provided, single submitter. Criteria: Myriad Autosomal Dominant, Autosomal Recessive and X-Linked Classification Criteria (2023). Collection method: clinical testing. Allele origin: unknown.
Comment: NM_000137.2(FAH):c.1016delA(N339Tfs*35) is a frameshift variant classified as pathogenic in the context of tyrosinemia type I. N339Tfs*35 has not been observed in cases with relevant disease. Relevant functional assessments of this variant are not available in the literature. N339Tfs*35 has not been observed in referenced population frequency databases. In summary, NM_000137.2(FAH):c.1016delA(N339Tfs*35) is a frameshift variant in a gene where loss of function is a known mechanism of disease and is predicted to disrupt protein function. Please note: this variant was assessed in the context of healthy population screening.

NM_000137.4(FAH):c.1016del (p.Asn339fs)

Gene: FAH (fumarylacetoacetate hydrolase; plus strand). Cytogenetic location: 15q25.1.
Variant type: Deletion.
Coding change: c.1016del on transcript NM_000137.4 (MANE Select); coding-DNA position 1016, one base deleted (A; older notation c.1016delA).
Protein change: p.Asn339fs; shifts the reading frame from asparagine 339.
Molecular consequence: frameshift variant.
Genome position (GRCh38, 1-based): chr15:80,180,179, A deleted; the last of 2 consecutive A bases (chr15:80,180,178-80,180,179); deleting either gives the same sequence. VCF-style (leftmost placement, unchanged base first): chr15-80180177-CA-C. GRCh37 (hg19) VCF-style: chr15-80472519-CA-C.
Other names: c.1016del, p.Asn339fs (NM_001374377.1, NM_001374380.1); short protein forms N339fs.
Identifiers: ClinVar variation 5004892 (VCV005004892.1).